The following is an entry in ClinVar:

NM_003632.3(CNTNAP1):c.2049C>T (p.Leu683=)

Gene: CNTNAP1 (contactin associated protein 1; plus strand). Cytogenetic location: 17q21.2.
Variant type: single nucleotide variant.
Coding change: c.2049C>T on transcript NM_003632.3 (MANE Select); coding-DNA position 2049, C replaced by T.
Protein change: p.Leu683=; no amino-acid change (leucine 683 retained).
Molecular consequence: synonymous variant.
Genome position (GRCh38, 1-based): chr17:42,690,932, C>T. VCF-style: chr17-42690932-C-T. GRCh37 (hg19) VCF-style: chr17-40842950-C-T.
Identifiers: ClinVar variation 794490 (VCV000794490.36), dbSNP rs150831991, ClinGen allele CA8581941.

ClinVar aggregate classification (germline): Likely benign. Review status: criteria provided, multiple submitters, no conflicts (2 of 4 stars). 2 submissions from 2 submitters: Likely benign (2). Last evaluated 2023-12-11.

Allele frequency attached by ClinVar (database versions not stated): ExAC 0.00006; gnomAD exomes 0.00006 and 0.00008; gnomAD 0.00013 and 0.00014; ESP Exome Variant Server 0.00023; TOPMed 0.00023; 1000 Genomes Project 0.00040; 1000 Genomes Project 30x 0.00047.
gnomAD v4.1: 136 of 1,614,128 alleles (0.0084%); highest among the groups gnomAD compares: Admixed American, 0.03%; no homozygotes.

Submissions (2):

Labcorp Genetics (formerly Invitae), Labcorp
Classification: Likely benign. Last evaluated: 2023-12-11. Review status: criteria provided, single submitter. Criteria: Invitae Variant Classification Sherloc (09022015). Collection method: clinical testing. Allele origin: germline.

CeGaT Center for Human Genetics Tuebingen
Classification: Likely benign. Last evaluated: 2023-03-01. Review status: criteria provided, single submitter. Criteria: CeGaT Center For Human Genetics Tuebingen Variant Classification Criteria Version 2. Collection method: clinical testing. Allele origin: germline. Affected: yes. Observed: 1 variant allele.
Comment: CNTNAP1: BP4